The following is an entry in ClinVar:

NM_000540.3(RYR1):c.10481C>A (p.Thr3494Asn)

Gene: RYR1 (ryanodine receptor 1; plus strand). Cytogenetic location: 19q13.2.
Variant type: single nucleotide variant.
Coding change: c.10481C>A on transcript NM_000540.3 (MANE Select); coding-DNA position 10481, C replaced by A.
Protein change: p.Thr3494Asn; replaces threonine 3494 with asparagine.
Molecular consequence: missense variant.
Genome position (GRCh38, 1-based): chr19:38,525,357, C>A. VCF-style: chr19-38525357-C-A. GRCh37 (hg19) VCF-style: chr19-39015997-C-A.
Other names: c.10466C>A, p.Thr3489Asn (NM_001042723.2); short protein forms T3489N, T3494N.
Identifiers: ClinVar variation 4808236 (VCV004808236.1).

ClinVar aggregate classification (germline): Uncertain significance (1 of 4 stars; one submission).

Conditions:
RYR1-related disorder. Also called: RYR1-related condition; RYR1-related disorders. Identifiers: MedGen CN239331.

Submission:

Labcorp Genetics (formerly Invitae), Labcorp
Classification: Uncertain significance for RYR1-related disorder. Last evaluated: 2025-06-22. Review status: criteria provided, single submitter. Criteria: Invitae Variant Classification Sherloc (09022015). Collection method: clinical testing. Allele origin: germline.
Comment: This sequence change replaces threonine, which is neutral and polar, with asparagine, which is neutral and polar, at codon 3494 of the RYR1 protein (p.Thr3494Asn). This variant is not present in population databases (gnomAD no frequency). This variant has not been reported in the literature in individuals affected with RYR1-related conditions. Invitae Evidence Modeling of protein sequence and biophysical properties (such as structural, functional, and spatial information, amino acid conservation, physicochemical variation, residue mobility, and thermodynamic stability) indicates that this missense variant is not expected to disrupt RYR1 protein function with a negative predictive value of 80%. In summary, the available evidence is currently insufficient to determine the role of this variant in disease. Therefore, it has been classified as a Variant of Uncertain Significance.